The following is an entry in ClinVar:

ClinVar aggregate classification (germline): Conflicting classifications of pathogenicity. Review status: criteria provided, conflicting classifications (1 of 4 stars). 12 submissions from 12 submitters: Uncertain significance (1); Benign (1); Likely benign (7). 3 of the submissions do not count toward it. Last evaluated 2026-02-02.

Conditions:
Connective tissue disorder. Also called: Connective tissue disease. Identifiers: MedGen C0009782, MONDO:0003900.
Aortic aneurysm, familial thoracic 7 (AAT7). Also called: AORTIC DISSECTION, FAMILIAL, WITH OR WITHOUT AORTIC ANEURYSM. Identifiers: MedGen C3151077, MONDO:0013418, OMIM 613780.

Allele frequency attached by ClinVar (database versions not stated): TOPMed 0.00026; gnomAD 0.00027 and 0.00028; ExAC 0.00035; gnomAD exomes 0.00037 and 0.00043; ESP Exome Variant Server 0.00046.
gnomAD v4.1: 658 of 1,614,080 alleles (0.041%); highest among the groups gnomAD compares: Non-Finnish European, 0.05%; 1 homozygote.

Submissions (12):

Labcorp Genetics (formerly Invitae), Labcorp
Classification: Likely benign for Aortic aneurysm, familial thoracic 7. Last evaluated: 2026-02-02. Review status: criteria provided, single submitter. Criteria: Invitae Variant Classification Sherloc (09022015). Collection method: clinical testing. Allele origin: germline.

ARUP Laboratories, Molecular Genetics and Genomics, ARUP Laboratories
Classification: Likely benign. Last evaluated: 2025-04-09. Review status: criteria provided, single submitter. Criteria: ARUP Molecular Germline Variant Investigation Process 2024. Collection method: clinical testing. Allele origin: germline.

Blueprint Genetics
Classification: Likely benign. Last evaluated: 2024-09-20. Review status: criteria provided, single submitter. Criteria: ACMG Guidelines, 2015. Collection method: clinical testing. Allele origin: germline.

CeGaT Center for Human Genetics Tuebingen
Classification: Likely benign. Last evaluated: 2024-08-01. Review status: criteria provided, single submitter. Criteria: CeGaT Center For Human Genetics Tuebingen Variant Classification Criteria Version 2. Collection method: clinical testing. Allele origin: germline. Affected: yes. Observed: 3 variant alleles.
Comment: MYLK: BP4

Women's Health and Genetics/Laboratory Corporation of America, LabCorp
Classification: Benign. Last evaluated: 2020-05-04. Review status: criteria provided, single submitter. Criteria: LabCorp Variant Classification Summary - May 2015. Collection method: clinical testing. Allele origin: germline.
Comment: Variant summary: MYLK c.5114+8G>A alters a non-conserved nucleotide located close to a canonical splice site and therefore could affect mRNA splicing, leading to a significantly altered protein sequence. 2/4 computational tools predict no significant impact on normal splicing. However, these predictions have yet to be confirmed by functional studies. The variant allele was found at a frequency of 0.00037 in 251438 control chromosomes, predominantly at a frequency of 0.0006 within the Non-Finnish European subpopulation in the gnomAD database. The observed variant frequency within Non-Finnish European control individuals in the gnomAD database is approximately 240 fold of the estimated maximal expected allele frequency for a pathogenic variant in MYLK causing Aortopathy phenotype (2.5e-06), strongly suggesting that the variant is a benign polymorphism found primarily in populations of Non-Finnish European origin. To our knowledge, no occurrence of c.5114+8G>A in individuals affected with Aortopathy and no experimental evidence demonstrating its impact on protein function have been reported. Five ClinVar submitters (evaluation after 2014) cite the variant as likely benign. Based on the evidence outlined above, the variant was classified as benign.

Center for Human Genetics, Inc
Classification: Likely benign for Connective tissue disorder. Last evaluated: 2018-06-01. Review status: criteria provided, single submitter. Criteria: ACMG Guidelines, 2015. Collection method: clinical testing. Allele origin: germline. Affected: yes.

Illumina Laboratory Services, Illumina
Classification: Uncertain significance for Aortic aneurysm, familial thoracic 7. Last evaluated: 2018-01-13. Review status: criteria provided, single submitter. Criteria: ICSL Variant Classification Criteria 13 December 2019. Collection method: clinical testing. Allele origin: germline.

GeneDx
Classification: Likely benign. Last evaluated: 2017-07-28. Review status: criteria provided, single submitter. Criteria: GeneDx Variant Classification (06012015). Collection method: clinical testing. Allele origin: germline. Affected: yes.
Comment: This variant is considered likely benign or benign based on one or more of the following criteria: it is a conservative change, it occurs at a poorly conserved position in the protein, it is predicted to be benign by multiple in silico algorithms, and/or has population frequency not consistent with disease.

PreventionGenetics, part of Exact Sciences
Classification: Likely benign. Review status: criteria provided, single submitter. Criteria: ACMG Guidelines, 2015. Collection method: clinical testing. Allele origin: germline.

Clinical Genetics DNA and cytogenetics Diagnostics Lab, Erasmus MC, Erasmus Medical Center
Classification: Likely benign. Review status: no assertion criteria provided. Collection method: clinical testing. Allele origin: germline. Affected: yes. Study: VKGL Data-share Consensus. Not counted in ClinVar's aggregate classification.

Genome Diagnostics Laboratory, Amsterdam University Medical Center
Classification: Likely benign. Review status: no assertion criteria provided. Collection method: clinical testing. Allele origin: germline. Affected: yes. Study: VKGL Data-share Consensus. Not counted in ClinVar's aggregate classification.

Genome Diagnostics Laboratory, University Medical Center Utrecht
Classification: Likely benign. Review status: no assertion criteria provided. Collection method: clinical testing. Allele origin: germline. Affected: yes. Study: VKGL Data-share Consensus. Not counted in ClinVar's aggregate classification.

NM_053025.4(MYLK):c.5114+8G>A

Genes: MYLK (myosin light chain kinase; minus strand), MYLK-AS1 (MYLK antisense RNA 1; plus strand), LOC126806791 (MED14-independent group 3 enhancer GRCh37_chr3:123347871-123349070; plus strand). Cytogenetic location: 3q21.1.
Variant type: single nucleotide variant.
Coding change: c.5114+8G>A on transcript NM_053025.4 (MANE Select); 8 bases into the intron after coding-DNA position 5114, G replaced by A.
Molecular consequence: intron variant.
Genome position (GRCh38, 1-based): chr3:123,629,466, C>T on the plus strand (G>A on the coding strand, the complement: MYLK is on the minus strand). VCF-style: chr3-123629466-C-T. GRCh37 (hg19) VCF-style: chr3-123348313-C-T.
Other names: c.4586+8G>A (NM_001321309.2); c.4755-2525G>A (NM_053028.4); c.4907+8G>A (NM_053026.4); c.4962-2525G>A (NM_053027.4).
Identifiers: ClinVar variation 262291 (VCV000262291.68), dbSNP rs202229368, ClinGen allele CA072528.
Genomic context (GRCh38, chr3:123,629,466, plus strand): 5'-AATCCCCCTTTGCTTCCCAACACAGGGCAGGGAGTAGGGAAGCAAAGACTGAAATCCCAA[C>T]TCATTACTTCATATCTTTCTTCAGCAGATTGCTGATGAAATCCTTGGCATCGTCGGAGAT-3'